The following is an entry in ClinVar:

NM_006031.6(PCNT):c.3263_3266del (p.Lys1088fs)

Gene: PCNT (pericentrin; plus strand). Cytogenetic location: 21q22.3.
Variant type: Deletion.
Coding change: c.3263_3266del on transcript NM_006031.6 (MANE Select); coding-DNA positions 3263 to 3266, 4 bases deleted (AAGA; older notation c.3263_3266delAAGA).
Protein change: p.Lys1088fs; shifts the reading frame from lysine 1088.
Molecular consequence: frameshift variant.
Genome position (GRCh38, 1-based): chr21:46,381,791-46,381,794, AAGA deleted; deleting any 4 consecutive bases within chr21:46,381,788-46,381,794 gives the same sequence; the c. name uses the placement nearest the transcript's 3' end. VCF-style (leftmost placement, unchanged base first): chr21-46381787-GAGAA-G. GRCh37 (hg19) VCF-style: chr21-47801702-GAGAA-G.
Other names: c.2909_2912del, p.Lys970fs (NM_001315529.2); short protein forms K1088fs, K970fs.
Identifiers: ClinVar variation 3697792 (VCV003697792.2).

ClinVar aggregate classification (germline): Pathogenic (1 of 4 stars; one submission).

Submission:

Labcorp Genetics (formerly Invitae), Labcorp
Classification: Pathogenic. Last evaluated: 2024-02-02. Review status: criteria provided, single submitter. Criteria: Invitae Variant Classification Sherloc (09022015). Collection method: clinical testing. Allele origin: germline.
Comment: This sequence change creates a premature translational stop signal (p.Lys1088Serfs*17) in the PCNT gene. It is expected to result in an absent or disrupted protein product. Loss-of-function variants in PCNT are known to be pathogenic (PMID: 18174396, 22821869). This variant is not present in population databases (gnomAD no frequency). This variant has not been reported in the literature in individuals affected with PCNT-related conditions. For these reasons, this variant has been classified as Pathogenic.

Literature cited by the submitters: PubMed 18174396; PubMed 22821869.